The following is an entry in ClinVar:

NM_001378030.1(CCDC78):c.109G>A (p.Ala37Thr)

Gene: CCDC78 (coiled-coil domain containing 78; minus strand). Cytogenetic location: 16p13.3.
Variant type: single nucleotide variant.
Coding change: c.109G>A on transcript NM_001378030.1 (MANE Select); coding-DNA position 109, G replaced by A.
Protein change: p.Ala37Thr; replaces alanine 37 with threonine.
Molecular consequence: missense variant. On other transcripts: 5 prime UTR variant (1), non-coding transcript variant (5).
Genome position (GRCh38, 1-based): chr16:726,037, C>T on the plus strand (G>A on the coding strand, the complement: CCDC78 is on the minus strand). VCF-style: chr16-726037-C-T. GRCh37 (hg19) VCF-style: chr16-776037-C-T.
Other names: c.109G>A (NM_001031737.2); c.109G>A, p.Ala37Thr (NM_001031737.3, NM_001378031.1); c.-177G>A (NM_001378033.1); short protein forms A37T.
Identifiers: ClinVar variation 1001979 (VCV001001979.8), dbSNP rs144624081, ClinGen allele CA7789747.

ClinVar aggregate classification (germline): Conflicting classifications of pathogenicity. Review status: criteria provided, conflicting classifications (1 of 4 stars). 2 submissions from 2 submitters: Uncertain significance (1); Likely benign (1). Last evaluated 2025-08-22.

Conditions:
Inborn genetic diseases. Identifiers: MedGen C0950123, MeSH D030342.
Congenital myopathy with internal nuclei and atypical cores. Also called: Myopathy, centronuclear, 4. Identifiers: Orphanet 319160, MedGen C4707232, MONDO:0013890, OMIM 614807.

Allele frequency attached by ClinVar (database versions not stated): gnomAD exomes 0.00002 and 0.00008; gnomAD 0.00011 and 0.00014; TOPMed 0.00011; ExAC 0.00015; ESP Exome Variant Server 0.00025; 1000 Genomes Project 30x 0.00031.
gnomAD v4.1: 56 of 1,548,706 alleles (0.0036%); highest among the groups gnomAD compares: African/African-American, 0.04%; 1 homozygote.

Submissions (2):

Labcorp Genetics (formerly Invitae), Labcorp
Classification: Uncertain significance for Congenital myopathy with internal nuclei and atypical cores. Last evaluated: 2025-08-22. Review status: criteria provided, single submitter. Criteria: Invitae Variant Classification Sherloc (09022015). Collection method: clinical testing. Allele origin: germline.
Comment: This sequence change replaces alanine, which is neutral and non-polar, with threonine, which is neutral and polar, at codon 37 of the CCDC78 protein (p.Ala37Thr). This variant is present in population databases (rs144624081, gnomAD 0.03%). This variant has not been reported in the literature in individuals affected with CCDC78-related conditions. ClinVar contains an entry for this variant (Variation ID: 1001979). Invitae Evidence Modeling of protein sequence and biophysical properties (such as structural, functional, and spatial information, amino acid conservation, physicochemical variation, residue mobility, and thermodynamic stability) indicates that this missense variant is not expected to disrupt CCDC78 protein function with a negative predictive value of 80%. In summary, the available evidence is currently insufficient to determine the role of this variant in disease. Therefore, it has been classified as a Variant of Uncertain Significance.

Ambry Genetics
Classification: Likely benign for Inborn genetic diseases. Last evaluated: 2025-07-08. Review status: criteria provided, single submitter. Criteria: Ambry Variant Classification Scheme 2023. Collection method: clinical testing. Allele origin: germline.